The following is an entry in ClinVar:

ClinVar aggregate classification (germline): Uncertain significance (1 of 4 stars; one submission).

Submission:

Greenwood Genetic Center Diagnostic Laboratories, Greenwood Genetic Center
Classification: Uncertain significance. Last evaluated: 2026-04-29. Review status: criteria provided, single submitter. Criteria: ACMG Guidelines, 2015. Collection method: clinical testing. Allele origin: germline.
Comment: Gene of Uncertain Significance

NM_001389.5(DSCAM):c.3635C>T (p.Pro1212Leu)

Gene: DSCAM (DS cell adhesion molecule; minus strand). Cytogenetic location: 21q22.2.
Variant type: single nucleotide variant.
Coding change: c.3635C>T on transcript NM_001389.5 (MANE Select); coding-DNA position 3635, C replaced by T.
Protein change: p.Pro1212Leu; replaces proline 1212 with leucine.
Molecular consequence: missense variant. On other transcripts: non-coding transcript variant (1).
Genome position (GRCh38, 1-based): chr21:40,124,256, G>A on the plus strand (C>T on the coding strand, the complement: DSCAM is on the minus strand). VCF-style: chr21-40124256-G-A. GRCh37 (hg19) VCF-style: chr21-41496183-G-A.
Other names: c.3635C>T, p.Pro1212Leu (NM_001271534.3); short protein forms P1212L.
Identifiers: ClinVar variation 4891049 (VCV004891049.1).